The following is an entry in ClinVar:

NM_001164665.2(KIAA1549):c.1726A>C (p.Lys576Gln)

Gene: KIAA1549 (KIAA1549; minus strand). Cytogenetic location: 7q34.
Variant type: single nucleotide variant.
Coding change: c.1726A>C on transcript NM_001164665.2 (MANE Select); coding-DNA position 1726, A replaced by C.
Protein change: p.Lys576Gln; replaces lysine 576 with glutamine.
Molecular consequence: missense variant.
Genome position (GRCh38, 1-based): chr7:138,917,900, T>G on the plus strand (A>C on the coding strand, the complement: KIAA1549 is on the minus strand). VCF-style: chr7-138917900-T-G. GRCh37 (hg19) VCF-style: chr7-138602646-T-G.
Other names: c.1726A>C, p.Lys576Gln (NM_020910.3); short protein forms K576Q.
Identifiers: ClinVar variation 1392889 (VCV001392889.6), dbSNP rs2130479939, ClinGen allele CA369397471.

ClinVar aggregate classification (germline): Uncertain significance (1 of 4 stars; one submission).

Submission:

Labcorp Genetics (formerly Invitae), Labcorp
Classification: Uncertain significance. Last evaluated: 2022-08-09. Review status: criteria provided, single submitter. Criteria: Invitae Variant Classification Sherloc (09022015). Collection method: clinical testing. Allele origin: germline.
Comment: ClinVar contains an entry for this variant (Variation ID: 1392889). This sequence change replaces lysine, which is basic and polar, with glutamine, which is neutral and polar, at codon 576 of the KIAA1549 protein (p.Lys576Gln). This variant is not present in population databases (gnomAD no frequency). This variant has not been reported in the literature in individuals affected with KIAA1549-related conditions. Algorithms developed to predict the effect of missense changes on protein structure and function output the following: SIFT: "Tolerated"; PolyPhen-2: "Benign"; Align-GVGD: "Class C0". The glutamine amino acid residue is found in multiple mammalian species, which suggests that this missense change does not adversely affect protein function. In summary, the available evidence is currently insufficient to determine the role of this variant in disease. Therefore, it has been classified as a Variant of Uncertain Significance.